The following is an entry in ClinVar:

ClinVar aggregate classification (germline): Uncertain significance. Review status: criteria provided, multiple submitters, no conflicts (2 of 4 stars). 3 submissions from 3 submitters: Uncertain significance (3). Last evaluated 2025-01-06.

Conditions:
Neuronopathy, distal hereditary motor, autosomal recessive 4. Also called: Autosomal recessive lower motor neuron disease with childhood onset; NEUROPATHY, DISTAL HEREDITARY MOTOR, AUTOSOMAL RECESSIVE 4. Identifiers: Orphanet 206580, MedGen C1970211, MONDO:0012608, OMIM 611067.
Charcot-Marie-Tooth disease recessive intermediate C. Also called: CHARCOT-MARIE-TOOTH NEUROPATHY, RECESSIVE INTERMEDIATE C. Identifiers: Orphanet 369867, MedGen C3809309, MONDO:0014154, OMIM 615376.
Inborn genetic diseases. Identifiers: MedGen C0950123, MeSH D030342.

Allele frequency attached by ClinVar (database versions not stated): ExAC 0.00001; gnomAD 0.00001; gnomAD exomes 0.00002 and 0.00003; TOPMed 0.00002.
gnomAD v4.1: 13 of 1,596,772 alleles (0.00081%); highest among the groups gnomAD compares: Admixed American, 0.0051%; no homozygotes.

Submissions (3):

Labcorp Genetics (formerly Invitae), Labcorp
Classification: Uncertain significance for Neuronopathy, distal hereditary motor, autosomal recessive 4; Charcot-Marie-Tooth disease recessive intermediate C. Last evaluated: 2025-01-06. Review status: criteria provided, single submitter. Criteria: Invitae Variant Classification Sherloc (09022015). Collection method: clinical testing. Allele origin: germline.
Comment: This sequence change replaces asparagine, which is neutral and polar, with aspartic acid, which is acidic and polar, at codon 526 of the PLEKHG5 protein (p.Asn526Asp). This variant is present in population databases (rs774755047, gnomAD 0.006%). This variant has not been reported in the literature in individuals affected with PLEKHG5-related conditions. ClinVar contains an entry for this variant (Variation ID: 297955). An algorithm developed to predict the effect of missense changes on protein structure and function (PolyPhen-2) suggests that this variant¬¨‚Ä†is likely to be tolerated. In summary, the available evidence is currently insufficient to determine the role of this variant in disease. Therefore, it has been classified as a Variant of Uncertain Significance.

Ambry Genetics
Classification: Uncertain significance for Inborn genetic diseases. Last evaluated: 2024-01-16. Review status: criteria provided, single submitter. Criteria: Ambry Variant Classification Scheme 2023. Collection method: clinical testing. Allele origin: germline.

Illumina Laboratory Services, Illumina
Classification: Uncertain significance for Neuronopathy, distal hereditary motor, autosomal recessive 4. Last evaluated: 2018-01-13. Review status: criteria provided, single submitter. Criteria: ICSL Variant Classification Criteria 13 December 2019. Collection method: clinical testing. Allele origin: germline.

NM_020631.6(PLEKHG5):c.1576A>G (p.Asn526Asp)

Gene: PLEKHG5 (pleckstrin homology and RhoGEF domain containing G5; minus strand). Cytogenetic location: 1p36.31.
Variant type: single nucleotide variant.
Coding change: c.1576A>G on transcript NM_020631.6 (MANE Select); coding-DNA position 1576, A replaced by G.
Protein change: p.Asn526Asp; replaces asparagine 526 with aspartic acid.
Molecular consequence: missense variant.
Genome position (GRCh38, 1-based): chr1:6,470,610, T>C on the plus strand (A>G on the coding strand, the complement: PLEKHG5 is on the minus strand). VCF-style: chr1-6470610-T-C. GRCh37 (hg19) VCF-style: chr1-6530670-T-C.
Other names: c.1687A>G, p.Asn563Asp (NM_001042663.3, NM_001265592.2); c.1576A>G, p.Asn526Asp (NM_001042664.2, NM_001042665.2, NM_001265594.3 and 1 more transcripts); c.1783A>G, p.Asn595Asp (NM_001265593.2); short protein forms N526D, N595D, N563D.
Identifiers: ClinVar variation 297955 (VCV000297955.10), dbSNP rs774755047, ClinGen allele CA561457.
Genomic context (GRCh38, chr1:6,470,610, plus strand): 5'-CGATGCGGCTCACCACGGCCGCCAGCCGCTGCCGCTCCTGCCGCTGCCGCATGCACGCGT[T>C]CACGTGGTGGATGAAGCGCTCCACGGAGCCGATCTAGGGGCAGGTGAGGGAGCTTCAGGT-3'
Protein context (NP_065682.2, residues 516-536): GSVERFIHHV[Asn526Asp]ACMRQRQERQ